The following is an entry in ClinVar:

NC_000017.11:g.(?_43045658)_(43067715_?)del

Gene: BRCA1 (BRCA1 DNA repair associated; minus strand). Cytogenetic location: 17q21.31.
Variant type: Deletion.
Identifiers: ClinVar variation 832145 (VCV000832145.3).

ClinVar aggregate classification (germline): Pathogenic (1 of 4 stars; one submission).

Conditions:
Hereditary breast ovarian cancer syndrome. Also called: Hereditary breast and/or ovarian cancer syndrome; Hereditary breast and ovarian cancer syndrome (HBOC); Breast and ovarian cancer; Hereditary breast and ovarian cancer; BRCA1- and BRCA2-Associated Hereditary Breast and Ovarian Cancer; Hereditary breast and ovarian cancer syndrome. Identifiers: Orphanet 145, MedGen C0677776, MeSH D061325, MONDO:0003582. Disease mechanism: loss of function.

Submission:

Labcorp Genetics (formerly Invitae), Labcorp
Classification: Pathogenic for Hereditary breast ovarian cancer syndrome. Last evaluated: 2019-04-23. Review status: criteria provided, single submitter. Criteria: Invitae Variant Classification Sherloc (09022015). Collection method: clinical testing. Allele origin: germline.
Comment: For these reasons, this variant has been classified as Pathogenic. Sub-genic deletion of exons 22-23 (also¬†known as deletions of exons 23-24 in the literature) has been determined to be pathogenic (PMID:¬†16715518, 16793929, 17333342, 18431737, 24825132). Therefore, deletions that fully encompass that region are also expected to be pathogenic. A deletion of exons 16-23 in BRCA1 has been observed in an individual affected with ovarian cancer (PMID:¬†24825132). This variant is also known as Del exons 17-24 in the literature. This variant is a gross deletion of the genomic region encompassing exons 16-23 of the BRCA1 gene. The 5' boundary is likely confined to intron 15. The 3' end of this event is unknown as it extends through the termination codon beyond the assayed region for this gene and may encompass additional genes. While this deletion is not anticipated to result in nonsense mediated decay, it is expected to create a truncated protein product or disrupt mRNA translation.